The following is an entry in ClinVar:

ClinVar aggregate classification (germline): Benign. Review status: criteria provided, multiple submitters, no conflicts (2 of 4 stars). 12 submissions from 12 submitters: Benign (9). 3 of the submissions do not count toward it. Last evaluated 2026-02-04.

Conditions:
Acyl-CoA dehydrogenase 9 deficiency. Also called: Acyl-CoA dehydrogenase family, member 9, deficiency of; MITOCHONDRIAL COMPLEX I DEFICIENCY, NUCLEAR TYPE 20. Identifiers: Orphanet 99901, MedGen C4747517, MONDO:0012624, OMIM 611126.
ACAD9-related disorder. Also called: ACAD9-related condition.

Allele frequency attached by ClinVar (database versions not stated): gnomAD exomes 0.38547; ExAC 0.40180; ESP Exome Variant Server 0.45025; gnomAD 0.45197 and 0.45398; TOPMed 0.47989; 1000 Genomes Project 0.54333; 1000 Genomes Project 30x 0.54653.
gnomAD v4.1: 547,563 of 1,611,358 alleles (34%); highest among the groups gnomAD compares: African/African-American, 76%; 103,618 homozygotes.

Submissions (12):

Labcorp Genetics (formerly Invitae), Labcorp
Classification: Benign. Last evaluated: 2026-02-04. Review status: criteria provided, single submitter. Criteria: Invitae Variant Classification Sherloc (09022015). Collection method: clinical testing. Allele origin: germline.

Blueprint Genetics
Classification: Benign. Last evaluated: 2024-11-26. Review status: criteria provided, single submitter. Criteria: ACMG Guidelines, 2015. Collection method: clinical testing. Allele origin: germline.

Women's Health and Genetics/Laboratory Corporation of America, LabCorp
Classification: Benign. Last evaluated: 2022-08-11. Review status: criteria provided, single submitter. Criteria: LabCorp Variant Classification Summary - May 2015. Collection method: clinical testing. Allele origin: germline.

Genome-Nilou Lab
Classification: Benign for Acyl-CoA dehydrogenase 9 deficiency. Last evaluated: 2021-07-10. Review status: criteria provided, single submitter. Criteria: ACMG Guidelines, 2015. Collection method: clinical testing. Allele origin: germline. Affected: no.

Mendelics
Classification: Benign for Acyl-CoA dehydrogenase 9 deficiency. Last evaluated: 2019-05-28. Review status: criteria provided, single submitter. Criteria: Mendelics Assertion Criteria 2017. Collection method: clinical testing. Allele origin: unknown.

Illumina Laboratory Services, Illumina
Classification: Benign for Acyl-CoA dehydrogenase 9 deficiency. Last evaluated: 2018-01-12. Review status: criteria provided, single submitter. Criteria: ICSL Variant Classification Criteria 13 December 2019. Collection method: clinical testing. Allele origin: germline.
Comment: This variant was observed in the ICSL laboratory as part of a predisposition screen in an ostensibly healthy population. It had not been previously curated by ICSL or reported in the Human Gene Mutation Database (HGMD: prior to June 1st, 2018), and was therefore a candidate for classification through an automated scoring system. Utilizing variant allele frequency, disease prevalence and penetrance estimates, and inheritance mode, an automated score was calculated to assess if this variant is too frequent to cause the disease. Based on the score and internal cut-off values, a variant classified as benign is not then subjected to further curation. The score for this variant resulted in a classification of benign for this disease.

GeneDx
Classification: Benign. Last evaluated: 2015-03-03. Review status: criteria provided, single submitter. Criteria: GeneDx Variant Classification Process June 2021. Collection method: clinical testing. Allele origin: germline. Affected: yes.

Eurofins Ntd Llc (ga)
Classification: Benign. Last evaluated: 2014-04-25. Review status: criteria provided, single submitter. Criteria: EGL Classification Definitions 2015. Collection method: clinical testing. Allele origin: germline. Observed: 4 variant alleles, 2 heterozygotes, 2 homozygotes.

Breakthrough Genomics
Classification: Benign. Review status: criteria provided, single submitter. Criteria: ACMG Guidelines, 2015. Collection method: not provided. Allele origin: germline. Inheritance: Autosomal recessive inheritance. Affected: yes.

PreventionGenetics, part of Exact Sciences
Classification: Benign for ACAD9-related condition. Last evaluated: 2020-04-02. Review status: no assertion criteria provided. Collection method: clinical testing. Allele origin: germline. Not counted in ClinVar's aggregate classification.
Comment: This variant is classified as benign based on ACMG/AMP sequence variant interpretation guidelines (Richards et al. 2015 PMID: 25741868, with internal and published modifications).

Natera, Inc.
Classification: Benign for ACAD9 deficiency. Last evaluated: 2019-11-19. Review status: no assertion criteria provided. Collection method: clinical testing. Allele origin: germline. Not counted in ClinVar's aggregate classification.

Mayo Clinic Laboratories, Mayo Clinic
Classification: Benign. Last evaluated: 2016-02-19. Review status: no assertion criteria provided. Collection method: clinical testing. Allele origin: unknown. Not counted in ClinVar's aggregate classification.

NM_014049.5(ACAD9):c.379A>C (p.Arg127=)

Gene: ACAD9 (acyl-CoA dehydrogenase family member 9; plus strand). Cytogenetic location: 3q21.3.
Variant type: single nucleotide variant.
Coding change: c.379A>C on transcript NM_014049.5 (MANE Select); coding-DNA position 379, A replaced by C.
Protein change: p.Arg127=; no amino-acid change (arginine 127 retained).
Molecular consequence: synonymous variant. On other transcripts: non-coding transcript variant (1).
Genome position (GRCh38, 1-based): chr3:128,895,342, A>C. VCF-style: chr3-128895342-A-C. GRCh37 (hg19) VCF-style: chr3-128614185-A-C.
Identifiers: ClinVar variation 166635 (VCV000166635.33), dbSNP rs1680778, ClinGen allele CA179704.
Genomic context (GRCh38, chr3:128,895,342, plus strand): 5'-GTGATTGACGCTGGTCCATCTCTCCTAGGTGGCCTGGGCTTCTCCAACACCATGTACTCA[A>C]GACTAGGGGAGATCATCAGCATGGATGGGTCCATCACTGTGACCCTGGCAGCGCACCAGG-3'
Protein context (NP_054768.2, residues 117-137): GLGFSNTMYS[Arg127=]LGEIISMDGS